The following is an entry in ClinVar:

ClinVar aggregate classification (germline): Uncertain significance (1 of 4 stars; one submission).

Submission:

GeneDx
Classification: Uncertain significance. Last evaluated: 2024-08-19. Review status: criteria provided, single submitter. Criteria: GeneDx Variant Classification Process June 2021. Collection method: clinical testing. Allele origin: germline. Affected: yes.
Comment: Not observed at significant frequency in large population cohorts (gnomAD); In silico analysis indicates that this missense variant does not alter protein structure/function; Has not been previously published as pathogenic or benign to our knowledge; Reported using an alternate transcript of the gene

NM_001286577.2(C2CD3):c.6785C>A (p.Thr2262Lys)

Gene: C2CD3 (C2 domain containing 3 centriole elongation regulator; minus strand). Cytogenetic location: 11q13.4.
Variant type: single nucleotide variant.
Coding change: c.6785C>A on transcript NM_001286577.2 (MANE Select); coding-DNA position 6785, C replaced by A.
Protein change: p.Thr2262Lys; replaces threonine 2262 with lysine.
Molecular consequence: missense variant.
Genome position (GRCh38, 1-based): chr11:74,033,375, G>T on the plus strand (C>A on the coding strand, the complement: C2CD3 is on the minus strand). VCF-style: chr11-74033375-G-T. GRCh37 (hg19) VCF-style: chr11-73744420-G-T.
Other names: short protein forms T2262K.
Identifiers: ClinVar variation 3764284 (VCV003764284.1).